The following is an entry in ClinVar:

NM_001283009.2(RTEL1):c.2782_2992+170del

Genes: RTEL1 (regulator of telomere elongation helicase 1; plus strand), RTEL1-TNFRSF6B (RTEL1-TNFRSF6B readthrough (NMD candidate); plus strand). Cytogenetic location: 20q13.33.
Variant type: Deletion.
Coding change: c.2782_2992+170del on transcript NM_001283009.2 (MANE Select); coding-DNA position 2782 through 170 bases into the intron after coding-DNA position 2992, 520 bases deleted.
Molecular consequence: splice acceptor variant, splice donor variant.
Genome position (GRCh38, 1-based): chr20:63,692,934-63,693,453, 520 bases deleted. GRCh37 (hg19): chr20:62,324,287-62,324,806.
Other names: c.2113_2323+170del (NM_001283010.1); c.2854_3064+170del (NM_032957.5); c.2782_2992+170del (NM_016434.4).
Identifiers: ClinVar variation 949701 (VCV000949701.1), dbSNP rs2090789401, ClinGen allele CA1139666807.

ClinVar aggregate classification (germline): Likely pathogenic (1 of 4 stars; one submission).

Conditions:
Dyskeratosis congenita, autosomal recessive 5 (DKCB5). Identifiers: MedGen C3554656, MONDO:0014076, OMIM 615190.
Pulmonary fibrosis and/or bone marrow failure, Telomere-related, 3. Also called: PULMONARY FIBROSIS AND/OR BONE MARROW FAILURE SYNDROME, TELOMERE-RELATED, 3. Identifiers: Orphanet 2032, MedGen C4225346, MONDO:0014613, OMIM 616373.

Submission:

Labcorp Genetics (formerly Invitae), Labcorp
Classification: Likely pathogenic for Dyskeratosis congenita, autosomal recessive, 5; Pulmonary fibrosis and/or bone marrow failure, telomere-related, 3. Last evaluated: 2019-06-29. Review status: criteria provided, single submitter. Criteria: Invitae Variant Classification Sherloc (09022015). Collection method: clinical testing. Allele origin: germline.
Comment: This variant is a deletion of the genomic region encompassing exon 30 and part of exon 29 (c.2782_2992+170del) of the RTEL1 gene. It is expected to disrupt RNA splicing and likely results in an absent or disrupted protein product. This variant has not been reported in the literature in individuals with RTEL1-related conditions. Loss-of-function variants in RTEL1 are known to be pathogenic (PMID: 23453664, 23959892, 25607374). In summary, the currently available evidence indicates that the variant is pathogenic, but additional data are needed to prove that conclusively. Therefore, this variant has been classified as Likely Pathogenic.